The following is an entry in ClinVar:

NM_016955.4(SEPSECS):c.208T>C (p.Cys70Arg)

Gene: SEPSECS (Sep (O-phosphoserine) tRNA:Sec (selenocysteine) tRNA synthase; minus strand). Cytogenetic location: 4p15.2.
Variant type: single nucleotide variant.
Coding change: c.208T>C on transcript NM_016955.4 (MANE Select); coding-DNA position 208, T replaced by C.
Protein change: p.Cys70Arg; replaces cysteine 70 with arginine.
Molecular consequence: missense variant.
Genome position (GRCh38, 1-based): chr4:25,159,014, A>G on the plus strand (T>C on the coding strand, the complement: SEPSECS is on the minus strand). VCF-style: chr4-25159014-A-G. GRCh37 (hg19) VCF-style: chr4-25160636-A-G.
Other names: p.C70R; p.Cys70Arg; c.463T>C, p.Cys155Arg (NM_001410714.1); short protein forms C155R, C70R.
Identifiers: ClinVar variation 4884335 (VCV004884335.1).

ClinVar aggregate classification (germline): Uncertain significance (1 of 4 stars; one submission).

Conditions:
Pontocerebellar hypoplasia type 2D (PCH2D). Also called: Progressive cerebello-cerebral atrophy. Identifiers: Orphanet 247198, Orphanet 2524, MedGen C3151140, MONDO:0013438, OMIM 613811.

Submission:

Clinical Genetics Laboratory, Universite de Sherbrooke
Classification: Uncertain significance for Pontocerebellar hypoplasia type 2D. Last evaluated: 2024-02-01. Review status: criteria provided, single submitter. Criteria: ACMG Guidelines, 2015. Collection method: curation. Allele origin: germline. Affected: yes.
Comment: The reported phenotype included truncal hypotonia, developmental delay, delayed walking, speech delay, febrile seizure, and strabismus. The variant was classified as a VUS in the original report, with ACMG criteria PM2 and PP3 (PMID:38347586).

Literature cited by the submitters: PubMed 38347586.